The following is an entry in ClinVar:

NM_004958.4(MTOR):c.2142T>G (p.Thr714=)

Gene: MTOR (mechanistic target of rapamycin kinase; minus strand). Cytogenetic location: 1p36.22.
Variant type: single nucleotide variant.
Coding change: c.2142T>G on transcript NM_004958.4 (MANE Select); coding-DNA position 2142, T replaced by G.
Protein change: p.Thr714=; no amino-acid change (threonine 714 retained).
Molecular consequence: synonymous variant.
Genome position (GRCh38, 1-based): chr1:11,237,909, A>C on the plus strand (T>G on the coding strand, the complement: MTOR is on the minus strand). VCF-style: chr1-11237909-A-C. GRCh37 (hg19) VCF-style: chr1-11297966-A-C.
Other names: c.2142T>G, p.Thr714= (NM_001386500.1); c.894T>G, p.Thr298= (NM_001386501.1).
Identifiers: ClinVar variation 2638228 (VCV002638228.24), dbSNP rs2100898374, ClinGen allele CA415922427.

ClinVar aggregate classification (germline): Likely benign (1 of 4 stars; one submission).

Submission:

CeGaT Center for Human Genetics Tuebingen
Classification: Likely benign. Last evaluated: 2023-02-01. Review status: criteria provided, single submitter. Criteria: CeGaT Center For Human Genetics Tuebingen Variant Classification Criteria Version 2. Collection method: clinical testing. Allele origin: germline. Affected: yes. Observed: 2 variant alleles.
Comment: MTOR: PM2:Supporting, BP4, BP7